The following is an entry in ClinVar:

NM_016343.4(CENPF):c.2766_2767del (p.Glu923fs)

Gene: CENPF (centromere protein F; plus strand). Cytogenetic location: 1q41.
Variant type: Deletion.
Coding change: c.2766_2767del on transcript NM_016343.4 (MANE Select); coding-DNA positions 2766 to 2767, 2 bases deleted (TG; older notation c.2766_2767delTG).
Protein change: p.Glu923fs; shifts the reading frame from glutamic acid 923.
Molecular consequence: frameshift variant.
Genome position (GRCh38, 1-based): chr1:214,641,104-214,641,105, TG deleted. VCF-style (leftmost placement, unchanged base first): chr1-214641103-CTG-C. GRCh37 (hg19) VCF-style: chr1-214814446-CTG-C.
Other names: short protein forms E923fs.
Identifiers: ClinVar variation 4890843 (VCV004890843.1).

ClinVar aggregate classification (germline): Pathogenic (1 of 4 stars; one submission).

Conditions:
Fetal anomalies with a likely genetic cause.

Submission:

Genetics Laboratory, Great Ormond Street Hospital NHS Foundation Trust, North Thames Genomic Laboratory Hub
Classification: Pathogenic for Fetal anomalies with a likely genetic cause. Last evaluated: 2026-07-14. Review status: criteria provided, single submitter. Criteria: ACGS Best Practice Guidelines for Variant Classification in Rare Disease 2024 v1.2. Collection method: clinical testing. Allele origin: germline. Affected: yes.
Comment: PM2_moderate, PVS1_very-strong